The following is an entry in ClinVar:

NM_033022.4(RPS24):c.192dup (p.Gly65fs)

Gene: RPS24 (ribosomal protein S24; plus strand). Cytogenetic location: 10q22.3.
Variant type: Duplication.
Coding change: c.192dup on transcript NM_033022.4 (MANE Select); coding-DNA position 192, one base duplicated (T; older notation c.192dupT).
Protein change: p.Gly65fs; shifts the reading frame from glycine 65.
Molecular consequence: frameshift variant.
Genome position (GRCh38, 1-based): chr10:78,035,633, T duplicated; the last of 4 consecutive T bases (chr10:78,035,630-78,035,633); duplicating any one gives the same sequence. VCF-style (leftmost placement, unchanged base first): chr10-78035629-A-AT. GRCh37 (hg19) VCF-style: chr10-79795387-A-AT.
Other names: c.192dup, p.Gly65fs (NM_001026.5, NM_001142282.2, NM_001142283.2 and 2 more transcripts); short protein forms G65fs.
Identifiers: ClinVar variation 4730502 (VCV004730502.1).

ClinVar aggregate classification (germline): Pathogenic (1 of 4 stars; one submission).

Conditions:
Diamond-Blackfan anemia. Also called: Blackfan Diamond syndrome; Aregenerative anemia chronic congenital; Red cell aplasia, pure hereditary; Congenital hypoplastic anemia; Aase syndrome. Identifiers: Orphanet 124, MedGen C1260899, MeSH D029503, MONDO:0015253, HP:0004810.

Submission:

Labcorp Genetics (formerly Invitae), Labcorp
Classification: Pathogenic for Diamond-Blackfan anemia. Last evaluated: 2025-11-04. Review status: criteria provided, single submitter. Criteria: Invitae Variant Classification Sherloc (09022015). Collection method: clinical testing. Allele origin: germline.
Comment: This sequence change creates a premature translational stop signal (p.Gly65Trpfs*13) in the RPS24 gene. It is expected to result in an absent or disrupted protein product. Loss-of-function variants in RPS24 are known to be pathogenic (PMID: 17186470, 20960466). This variant is not present in population databases (gnomAD no frequency). This variant has not been reported in the literature in individuals affected with RPS24-related conditions. For these reasons, this variant has been classified as Pathogenic.

Literature cited by the submitters: PubMed 17186470; PubMed 20960466.